The following is an entry in ClinVar:

NM_000369.5(TSHR):c.1333A>G (p.Lys445Glu)

Genes: TSHR (thyroid stimulating hormone receptor; plus strand), TSHR-AS1 (TSHR antisense RNA 1; minus strand). Cytogenetic location: 14q31.1.
Variant type: single nucleotide variant.
Coding change: c.1333A>G on transcript NM_000369.5 (MANE Select); coding-DNA position 1333, A replaced by G.
Protein change: p.Lys445Glu; replaces lysine 445 with glutamic acid.
Molecular consequence: missense variant.
Genome position (GRCh38, 1-based): chr14:81,143,391, A>G. VCF-style: chr14-81143391-A-G. GRCh37 (hg19) VCF-style: chr14-81609735-A-G.
Other names: short protein forms K445E.
Identifiers: ClinVar variation 4883019 (VCV004883019.2).
Genomic context (GRCh38, chr14:81,143,391, plus strand): 5'-AGTCTGCTGGCTCTCCTGGGCAATGTCTTTGTCCTGCTTATTCTCCTCACCAGCCACTAC[A>G]AACTGAACGTCCCCCGCTTTCTCATGTGCAACCTGGCCTTTGCGGATTTCTGCATGGGGA-3'
Protein context (NP_000360.2, residues 435-455): VLLILLTSHY[Lys445Glu]LNVPRFLMCN

ClinVar aggregate classification (germline): Uncertain significance (1 of 4 stars; one submission).

Conditions:
Familial hyperthyroidism due to mutations in TSH receptor. Also called: HYPERTHYROIDISM, CONGENITAL NONAUTOIMMUNE; HYPERTHYROIDISM, NONAUTOIMMUNE, AUTOSOMAL DOMINANT; TOXIC THYROID HYPERPLASIA, AUTOSOMAL DOMINANT. Identifiers: Orphanet 424, MedGen C1836706, MONDO:0012203, OMIM 609152.

Submission:

Dasa
Classification: Uncertain significance for Familial hyperthyroidism due to mutations in TSH receptor. Last evaluated: 2025-11-05. Review status: criteria provided, single submitter. Criteria: DASA Assertion Criteria. Collection method: clinical testing. Allele origin: germline.
Comment: NM_000369.5(TSHR):c.1333A>G (p.Lys445Glu) is a missense variant that results in the substitution of lysine with glutamic acid. This variant is absent from population databases. Computational prediction algorithms are consistent with a deleterious effect. The currently available literature and clinical evidence are not sufficient to establish a definitive association between this variant and the reported condition. Therefore, this variant is classified as a variant of uncertain significance.